The following is an entry in ClinVar:

NM_001035.3(RYR2):c.*1140A>G

Gene: RYR2 (ryanodine receptor 2; plus strand). Cytogenetic location: 1q43.
Variant type: single nucleotide variant.
Coding change: c.*1140A>G on transcript NM_001035.3 (MANE Select); 1140 bases downstream of the stop codon, A replaced by G.
Molecular consequence: 3 prime UTR variant.
Genome position (GRCh38, 1-based): chr1:237,833,787, A>G. VCF-style: chr1-237833787-A-G. GRCh37 (hg19) VCF-style: chr1-237997087-A-G.
Other names: c.*1140A>G (LRG_402t1).
Identifiers: ClinVar variation 296809 (VCV000296809.8), dbSNP rs12594, ClinGen allele CA10610778.

ClinVar aggregate classification (germline): Benign. Review status: criteria provided, multiple submitters, no conflicts (2 of 4 stars). 4 submissions from 3 submitters: Benign (4). Last evaluated 2021-05-15.

Conditions:
Catecholaminergic polymorphic ventricular tachycardia 1. Also called: VENTRICULAR TACHYCARDIA, CATECHOLAMINERGIC POLYMORPHIC, 1, WITH OR WITHOUT ATRIAL DYSFUNCTION AND/OR DILATED CARDIOMYOPATHY; VENTRICULAR TACHYCARDIA, STRESS-INDUCED POLYMORPHIC 1; RYR2-Related Catecholaminergic Polymorphic Ventricular Tachycardia. Identifiers: Orphanet 3286, MedGen C1631597, MONDO:0011484, OMIM 604772.
Arrhythmogenic right ventricular dysplasia 2. Identifiers: MedGen C1832931.

Allele frequency attached by ClinVar (database versions not stated): 1000 Genomes Project 30x 0.24438; 1000 Genomes Project 0.24681; TOPMed 0.27772; gnomAD 0.28188 and 0.28215; gnomAD exomes 0.30698.
gnomAD v4.1: 43,119 of 152,524 alleles (28%); highest among the groups gnomAD compares: Middle Eastern, 38%; 6,614 homozygotes.

Submissions (4):

GeneDx
Classification: Benign. Last evaluated: 2021-05-15. Review status: criteria provided, single submitter. Criteria: GeneDx Variant Classification Process June 2021. Collection method: clinical testing. Allele origin: germline. Affected: yes.

Illumina Laboratory Services, Illumina
Classification: Benign for Catecholaminergic polymorphic ventricular tachycardia 1. Last evaluated: 2018-01-12. Review status: criteria provided, single submitter. Criteria: ICSL Variant Classification Criteria 13 December 2019. Collection method: clinical testing. Allele origin: germline.
Comment: This variant was observed in the ICSL laboratory as part of a predisposition screen in an ostensibly healthy population. It had not been previously curated by ICSL or reported in the Human Gene Mutation Database (HGMD: prior to June 1st, 2018), and was therefore a candidate for classification through an automated scoring system. Utilizing variant allele frequency, disease prevalence and penetrance estimates, and inheritance mode, an automated score was calculated to assess if this variant is too frequent to cause the disease. Based on the score and internal cut-off values, a variant classified as benign is not then subjected to further curation. The score for this variant resulted in a classification of benign for this disease.

Illumina Laboratory Services, Illumina
Classification: Benign for Catecholaminergic polymorphic ventricular tachycardia 1. Last evaluated: 2018-01-12. Review status: criteria provided, single submitter. Criteria: ICSL Variant Classification Criteria 13 December 2019. Collection method: clinical testing. Allele origin: germline.
Comment: the same text as in the submission from Illumina Laboratory Services, Illumina above.

Breakthrough Genomics
Classification: Benign. Review status: criteria provided, single submitter. Criteria: ACMG Guidelines, 2015. Collection method: not provided. Allele origin: germline. Inheritance: Autosomal dominant inheritance. Affected: yes.